The following is an entry in ClinVar:

ClinVar aggregate classification (germline): Uncertain significance. Review status: criteria provided, multiple submitters, no conflicts (2 of 4 stars). 2 submissions from 2 submitters: Uncertain significance (2). Last evaluated 2025-11-05.

Conditions:
Cardiovascular phenotype. Identifiers: MedGen CN230736.
Long QT syndrome (LQTS). Identifiers: MedGen C0023976, MeSH D008133, MONDO:0002442. Disease mechanism: loss of function. Inheritance: Various modes of inheritance.

Submissions (2):

Ambry Genetics
Classification: Uncertain significance for Cardiovascular phenotype. Last evaluated: 2025-11-05. Review status: criteria provided, single submitter. Criteria: Ambry Variant Classification Scheme 2023. Collection method: clinical testing. Allele origin: germline.

Labcorp Genetics (formerly Invitae), Labcorp
Classification: Uncertain significance for Long QT syndrome. Last evaluated: 2025-11-01. Review status: criteria provided, single submitter. Criteria: Invitae Variant Classification Sherloc (09022015). Collection method: clinical testing. Allele origin: germline.
Comment: This sequence change replaces serine, which is neutral and polar, with alanine, which is neutral and non-polar, at codon 2895 of the ANK2 protein (p.Ser2895Ala). This variant is not present in population databases (gnomAD no frequency). This variant has not been reported in the literature in individuals affected with ANK2-related conditions. An algorithm developed to predict the effect of missense changes on protein structure and function outputs the following: PolyPhen-2: "Benign". The alanine amino acid residue is found in multiple mammalian species, which suggests that this missense change does not adversely affect protein function. In summary, the available evidence is currently insufficient to determine the role of this variant in disease. Therefore, it has been classified as a Variant of Uncertain Significance.

NM_001148.6(ANK2):c.8683T>G (p.Ser2895Ala)

Gene: ANK2 (ankyrin 2; plus strand). Cytogenetic location: 4q26.
Variant type: single nucleotide variant.
Coding change: c.8683T>G on transcript NM_001148.6 (MANE Select); coding-DNA position 8683, T replaced by G.
Protein change: p.Ser2895Ala; replaces serine 2895 with alanine.
Molecular consequence: missense variant. On other transcripts: intron variant (68).
Genome position (GRCh38, 1-based): chr4:113,357,301, T>G. VCF-style: chr4-113357301-T-G. GRCh37 (hg19) VCF-style: chr4-114278457-T-G.
Other names: c.8449T>G, p.Ser2817Ala (NM_001386142.1); c.5083T>G, p.Ser1695Ala (NM_001386166.1); c.8824T>G, p.Ser2942Ala (NM_001386174.1); c.8800T>G, p.Ser2934Ala (NM_001386175.1); c.4412-3522T>G (NM_001386186.2, NM_001386148.2); c.4214-3522T>G (NM_001354269.3); c.4292-3522T>G (NM_001386187.2); c.4253-3522T>G (NM_001386147.1); and 35 more; short protein forms S2817A, S2934A, S2942A, S1695A, S2895A.
Identifiers: ClinVar variation 4613597 (VCV004613597.2).
Genomic context (GRCh38, chr4:113,357,301, plus strand): 5'-GAGGTCACAAAAACTGATGAAACATTTGAGAACTTACCAAAGGACTGCCCCTCTCAAGAC[T>G]CATCCATTACTACTCAAACAGATAGATTTTCCATGGATGTTCCCGTGTCTGACCTAGCTG-3'
Protein context (NP_001139.3, residues 2885-2905): NLPKDCPSQD[Ser2895Ala]SITTQTDRFS